The following is an entry in ClinVar:

ClinVar aggregate classification (germline): Uncertain significance. Review status: criteria provided, multiple submitters, no conflicts (2 of 4 stars). 3 submissions from 3 submitters: Uncertain significance (3). Last evaluated 2025-08-30.

Conditions:
Inborn genetic diseases. Identifiers: MedGen C0950123, MeSH D030342.

gnomAD v4.1: 3 of 1,613,896 alleles (0.00019%); highest among the groups gnomAD compares: Non-Finnish European, 0.00025%; no homozygotes.

Submissions (3):

Ambry Genetics
Classification: Uncertain significance for Inborn genetic diseases. Last evaluated: 2025-08-30. Review status: criteria provided, single submitter. Criteria: Ambry Variant Classification Scheme 2023. Collection method: clinical testing. Allele origin: germline.

GeneDx
Classification: Uncertain significance. Last evaluated: 2024-12-26. Review status: criteria provided, single submitter. Criteria: GeneDx Variant Classification Process June 2021. Collection method: clinical testing. Allele origin: germline. Affected: yes.
Comment: Not observed at significant frequency in large population cohorts (gnomAD); In silico analysis indicates that this missense variant does not alter protein structure/function; Has not been previously published as pathogenic or benign to our knowledge

Labcorp Genetics (formerly Invitae), Labcorp
Classification: Uncertain significance. Last evaluated: 2021-11-06. Review status: criteria provided, single submitter. Criteria: Invitae Variant Classification Sherloc (09022015). Collection method: clinical testing. Allele origin: germline.
Comment: This variant has not been reported in the literature in individuals affected with NDUFA12-related conditions. This sequence change replaces histidine, which is basic and polar, with asparagine, which is neutral and polar, at codon 59 of the NDUFA12 protein (p.His59Asn). This variant is not present in population databases (gnomAD no frequency). Algorithms developed to predict the effect of missense changes on protein structure and function (SIFT, PolyPhen-2, Align-GVGD) all suggest that this variant is likely to be tolerated. In summary, the available evidence is currently insufficient to determine the role of this variant in disease. Therefore, it has been classified as a Variant of Uncertain Significance.

NM_018838.5(NDUFA12):c.175C>A (p.His59Asn)

Gene: NDUFA12 (NADH:ubiquinone oxidoreductase subunit A12; minus strand). Cytogenetic location: 12q22.
Variant type: single nucleotide variant.
Coding change: c.175C>A on transcript NM_018838.5 (MANE Select); coding-DNA position 175, C replaced by A.
Protein change: p.His59Asn; replaces histidine 59 with asparagine.
Molecular consequence: missense variant. On other transcripts: intron variant (1).
Genome position (GRCh38, 1-based): chr12:94,994,252, G>T on the plus strand (C>A on the coding strand, the complement: NDUFA12 is on the minus strand). VCF-style: chr12-94994252-G-T. GRCh37 (hg19) VCF-style: chr12-95388028-G-T.
Other names: c.169+8487C>A (NM_001258338.2); c.175C>A (NM_018838.4, NM_018838.3); short protein forms H59N.
Identifiers: ClinVar variation 1391641 (VCV001391641.8), dbSNP rs201879470, ClinGen allele CA241288298.
Genomic context (GRCh38, chr12:94,994,252, plus strand): 5'-CATCCACATCCCAGAATGTGTTTTTGCCATTCATTTCAGTAGTATATACAACCCATCGGT[G>T]ACGGCCTGGGTGGGAAGATGAACATTTAAAAAGAAAAACTTTTTTTTTTAAAGCATAGAT-3'
Protein context (NP_061326.1, residues 49-69): YEDNKQFFGR[His59Asn]RWVVYTTEMN